The following is an entry in ClinVar:

NM_000431.4(MVK):c.104T>C (p.Leu35Ser)

Gene: MVK (mevalonate kinase; plus strand). Cytogenetic location: 12q24.11.
Variant type: single nucleotide variant.
Coding change: c.104T>C on transcript NM_000431.4 (MANE Select); coding-DNA position 104, T replaced by C.
Protein change: p.Leu35Ser; replaces leucine 35 with serine.
Molecular consequence: missense variant.
Genome position (GRCh38, 1-based): chr12:109,576,023, T>C. VCF-style: chr12-109576023-T-C. GRCh37 (hg19) VCF-style: chr12-110013828-T-C.
Other names: p.Leu35Ser; c.104T>C, p.Leu35Ser (NM_001114185.3, NM_001301182.2); short protein forms L35S.
Identifiers: ClinVar variation 97563 (VCV000097563.6), dbSNP rs104895313, ClinGen allele CA149771.

ClinVar aggregate classification (germline): Conflicting classifications of pathogenicity. Review status: criteria provided, conflicting classifications (1 of 4 stars). 3 submissions from 3 submitters: Likely pathogenic (1); Uncertain significance (1). 1 of the submissions does not count toward it. Last evaluated 2024-10-04.

Conditions:
Hyperimmunoglobulin D with periodic fever (HIDS). Also called: HYPERIMMUNOGLOBULINEMIA D AND PERIODIC FEVER SYNDROME; Hyperimmunoglobulinemia D; Hyperimmunoglobulinemia D with periodic fever. Identifiers: Orphanet 343, MedGen C0398691, MONDO:0009849, OMIM 260920.

Submissions (3):

Dubai Health Genomic Medicine Center, Dubai Health
Classification: Likely pathogenic for Hyper-IgD syndrome. Last evaluated: 2024-10-04. Review status: criteria provided, single submitter. Criteria: ACMG Guidelines, 2015. Collection method: research. Allele origin: germline. Affected: yes.
Comment: PS3(moderate),PM2,PP3,PP1

Mayo Clinic Laboratories, Mayo Clinic
Classification: Uncertain significance. Last evaluated: 2021-11-03. Review status: criteria provided, single submitter. Criteria: ACMG Guidelines, 2015. Collection method: clinical testing. Allele origin: germline.

Unité médicale des maladies autoinflammatoires, CHRU Montpellier
No classification provided. Condition: Hyperimmunoglobulin D with periodic fever. Review status: no classification provided. Collection method: not provided. Allele origin: unknown. Not counted in ClinVar's aggregate classification.
Comment: also involved in OMIM 25117